The following is an entry in ClinVar:

ClinVar aggregate classification (germline): Benign. Review status: criteria provided, multiple submitters, no conflicts (2 of 4 stars). 3 submissions from 3 submitters: Benign (3). Last evaluated 2026-02-02.

Conditions:
DOCK2 deficiency. Also called: Immunodeficiency 40. Identifiers: Orphanet 447737, MedGen C4225328, MONDO:0014637, OMIM 616433.

Allele frequency attached by ClinVar (database versions not stated): 1000 Genomes Project 30x 0.00531; 1000 Genomes Project 0.00559; ExAC 0.01178; gnomAD exomes 0.01235 and 0.01664; TOPMed 0.01252; ESP Exome Variant Server 0.01284; gnomAD 0.01383 and 0.01462.
gnomAD v4.1: 26,255 of 1,613,988 alleles (1.6%); highest among the groups gnomAD compares: Non-Finnish European, 1.9%; 253 homozygotes.

Submissions (3):

Labcorp Genetics (formerly Invitae), Labcorp
Classification: Benign for DOCK2 deficiency. Last evaluated: 2026-02-02. Review status: criteria provided, single submitter. Criteria: Invitae Variant Classification Sherloc (09022015). Collection method: clinical testing. Allele origin: germline.

Women's Health and Genetics/Laboratory Corporation of America, LabCorp
Classification: Benign. Last evaluated: 2026-01-22. Review status: criteria provided, single submitter. Criteria: LabCorp Variant Classification Summary - May 2015. Collection method: clinical testing. Allele origin: germline.

Mayo Clinic Laboratories, Mayo Clinic
Classification: Benign. Last evaluated: 2024-07-08. Review status: criteria provided, single submitter. Criteria: ACMG Guidelines, 2015. Collection method: clinical testing. Allele origin: germline. Observed: 2 variant alleles.
Comment: BS1, BS2, BP4, BP7

NM_004946.3(DOCK2):c.4314C>T (p.Tyr1438=)

Gene: DOCK2 (dedicator of cytokinesis 2; plus strand). Cytogenetic location: 5q35.1.
Variant type: single nucleotide variant.
Coding change: c.4314C>T on transcript NM_004946.3 (MANE Select); coding-DNA position 4314, C replaced by T.
Protein change: p.Tyr1438=; no amino-acid change (tyrosine 1438 retained).
Molecular consequence: synonymous variant. On other transcripts: non-coding transcript variant (1).
Genome position (GRCh38, 1-based): chr5:170,056,702, C>T. VCF-style: chr5-170056702-C-T. GRCh37 (hg19) VCF-style: chr5-169483706-C-T.
Other names: p.Tyr1438=; c.4314C>T, p.Tyr1438= (LRG_1227t1).
Identifiers: ClinVar variation 476014 (VCV000476014.13), dbSNP rs17647491, ClinGen allele CA3554510.